The following is an entry in ClinVar:

ClinVar aggregate classification (germline): Uncertain significance (1 of 4 stars; one submission).

Conditions:
Early-infantile DEE. Also called: Early infantile epileptic encephalopathy; Ohtahara syndrome; Early infantile epileptic encephalopathy with suppression bursts. Identifiers: Orphanet 1934, MedGen C0393706, MONDO:0800491.

Submission:

Labcorp Genetics (formerly Invitae), Labcorp
Classification: Uncertain significance for Early-infantile DEE. Last evaluated: 2026-02-02. Review status: criteria provided, single submitter. Criteria: Invitae Variant Classification Sherloc (09022015). Collection method: clinical testing. Allele origin: germline.
Comment: This sequence change replaces histidine, which is basic and polar, with tyrosine, which is neutral and polar, at codon 1811 of the SPTAN1 protein (p.His1811Tyr). This variant is not present in population databases (gnomAD no frequency). This variant has not been reported in the literature in individuals affected with SPTAN1-related conditions. ClinVar contains an entry for this variant (Variation ID: 2119138). Invitae Evidence Modeling of protein sequence and biophysical properties (such as structural, functional, and spatial information, amino acid conservation, physicochemical variation, residue mobility, and thermodynamic stability) has been performed for this missense variant. However, the output from this modeling did not meet the statistical confidence thresholds required to predict the impact of this variant on SPTAN1 protein function. In summary, the available evidence is currently insufficient to determine the role of this variant in disease. Therefore, it has been classified as a Variant of Uncertain Significance.

NM_001130438.3(SPTAN1):c.5431C>T (p.His1811Tyr)

Gene: SPTAN1 (spectrin alpha, non-erythrocytic 1; plus strand). Cytogenetic location: 9q34.11.
Variant type: single nucleotide variant.
Coding change: c.5431C>T on transcript NM_001130438.3 (MANE Select); coding-DNA position 5431, C replaced by T.
Protein change: p.His1811Tyr; replaces histidine 1811 with tyrosine.
Molecular consequence: missense variant.
Genome position (GRCh38, 1-based): chr9:128,617,713, C>T. VCF-style: chr9-128617713-C-T. GRCh37 (hg19) VCF-style: chr9-131379992-C-T.
Other names: c.5356C>T, p.His1786Tyr (NM_001195532.2); c.5431C>T, p.His1811Tyr (NM_001363759.2, NM_001375310.1, NM_001375311.2 and 1 more transcripts); c.5371C>T, p.His1791Tyr (NM_001363765.2, NM_001375314.2); c.5467C>T, p.His1823Tyr (NM_001375312.2, NM_001375318.1); c.5416C>T, p.His1806Tyr (NM_003127.4); short protein forms H1786Y, H1811Y, H1791Y, H1806Y, H1823Y.
Identifiers: ClinVar variation 2119138 (VCV002119138.4), dbSNP rs2541940257, ClinGen allele CA375076256.
Genomic context (GRCh38, chr9:128,617,713, plus strand): 5'-CTGGTGGGCTCAGAGGACTACGGCCGGGACCTAACCGGCGTGCAGAACCTGAGGAAGAAG[C>T]ACAAGCGGCTGGAAGCAGAACTGGCTGCGCATGAGCCGGCTATTCAGGTAAGGAGGCCGC-3'
Protein context (NP_001123910.1, residues 1801-1821): LTGVQNLRKK[His1811Tyr]KRLEAELAAH